The following is an entry in ClinVar:

NM_000815.5(GABRD):c.54G>T (p.Gln18His)

Gene: GABRD (gamma-aminobutyric acid type A receptor subunit delta; plus strand). Cytogenetic location: 1p36.33.
Variant type: single nucleotide variant.
Coding change: c.54G>T on transcript NM_000815.5 (MANE Select); coding-DNA position 54, G replaced by T.
Protein change: p.Gln18His; replaces glutamine 18 with histidine.
Molecular consequence: missense variant.
Genome position (GRCh38, 1-based): chr1:2,019,477, G>T. VCF-style: chr1-2019477-G-T. GRCh37 (hg19) VCF-style: chr1-1950916-G-T.
Other names: short protein forms Q18H.
Identifiers: ClinVar variation 3097835 (VCV003097835.3), dbSNP rs1164917987, ClinGen allele CA337953830.

ClinVar aggregate classification (germline): Uncertain significance. Review status: criteria provided, multiple submitters, no conflicts (2 of 4 stars). 2 submissions from 2 submitters: Uncertain significance (2). Last evaluated 2024-08-28.

Conditions:
Inborn genetic diseases. Identifiers: MedGen C0950123, MeSH D030342.
Idiopathic generalized epilepsy. Also called: Generalised epilepsy; EIG. Identifiers: MedGen C0270850, MONDO:0005579, OMIM 600669.

Allele frequency attached by ClinVar (database versions not stated): gnomAD 0.00002; gnomAD exomes 0.00004.
gnomAD v4.1: 37 of 1,113,682 alleles (0.0033%); highest among the groups gnomAD compares: African/African-American, 0.005%; no homozygotes.

Submissions (2):

Labcorp Genetics (formerly Invitae), Labcorp
Classification: Uncertain significance for Idiopathic generalized epilepsy. Last evaluated: 2024-08-28. Review status: criteria provided, single submitter. Criteria: Invitae Variant Classification Sherloc (09022015). Collection method: clinical testing. Allele origin: germline.
Comment: This sequence change replaces glutamine, which is neutral and polar, with histidine, which is basic and polar, at codon 18 of the GABRD protein (p.Gln18His). The frequency data for this variant in the population databases is considered unreliable, as metrics indicate insufficient coverage at this position in the gnomAD database. This variant has not been reported in the literature in individuals affected with GABRD-related conditions. Experimental studies and prediction algorithms are not available or were not evaluated, and the functional significance of this variant is currently unknown. In summary, the available evidence is currently insufficient to determine the role of this variant in disease. Therefore, it has been classified as a Variant of Uncertain Significance.

Ambry Genetics
Classification: Uncertain significance for Inborn genetic diseases. Last evaluated: 2023-10-17. Review status: criteria provided, single submitter. Criteria: Ambry Variant Classification Scheme 2023. Collection method: clinical testing. Allele origin: germline.